The following is an entry in ClinVar:

ClinVar aggregate classification (germline): Benign (1 of 4 stars; one submission).

Conditions:
DNAH7-related disorder. Also called: DNAH7-related condition.

gnomAD v4.1: 105,450 of 1,611,392 alleles (6.5%); highest among the groups gnomAD compares: Non-Finnish European, 7.7%; 3,952 homozygotes.

Submission:

PreventionGenetics, part of Exact Sciences
Classification: Benign for DNAH7-related condition. Last evaluated: 2025-05-22. Review status: criteria provided, single submitter. Criteria: ACMG Guidelines, 2015. Collection method: clinical testing. Allele origin: germline.
Comment: This variant is classified as benign based on ACMG/AMP sequence variant interpretation guidelines (Richards et al. 2015 PMID: 25741868, with internal and published modifications).

NM_018897.3(DNAH7):c.475A>G (p.Lys159Glu)

Gene: DNAH7 (dynein axonemal heavy chain 7; minus strand). Cytogenetic location: 2q32.3.
Variant type: single nucleotide variant.
Coding change: c.475A>G on transcript NM_018897.3 (MANE Select); coding-DNA position 475, A replaced by G.
Protein change: p.Lys159Glu; replaces lysine 159 with glutamic acid.
Molecular consequence: missense variant.
Genome position (GRCh38, 1-based): chr2:196,027,971, T>C on the plus strand (A>G on the coding strand, the complement: DNAH7 is on the minus strand). VCF-style: chr2-196027971-T-C. GRCh37 (hg19) VCF-style: chr2-196892695-T-C.
Other names: short protein forms K159E.
Identifiers: ClinVar variation 4995714 (VCV004995714.1).